The following is an entry in ClinVar:

ClinVar aggregate classification (germline): Uncertain significance (1 of 4 stars; one submission).

Conditions:
Tay-Sachs disease (TSD). Also called: Hexosaminidase A Deficiency; HEXA DEFICIENCY; HEXA Disorders; GM2 gangliosidosis, type 1; Hexosaminidase alpha-subunit deficiency (variant B); Sphingolipidosis, Tay-Sachs. Identifiers: Orphanet 845, MedGen C0039373, MONDO:0010100, OMIM 272800.

gnomAD v4.1: 5 of 1,614,164 alleles (0.00031%); highest among the groups gnomAD compares: Non-Finnish European, 0.00042%; no homozygotes.

Submission:

Labcorp Genetics (formerly Invitae), Labcorp
Classification: Uncertain significance for Tay-Sachs disease. Last evaluated: 2022-10-17. Review status: criteria provided, single submitter. Criteria: Invitae Variant Classification Sherloc (09022015). Collection method: clinical testing. Allele origin: germline.
Comment: This sequence change replaces valine, which is neutral and non-polar, with isoleucine, which is neutral and non-polar, at codon 50 of the HEXA protein (p.Val50Ile). This variant is not present in population databases (gnomAD no frequency). This variant has not been reported in the literature in individuals affected with HEXA-related conditions. Advanced modeling of protein sequence and biophysical properties (such as structural, functional, and spatial information, amino acid conservation, physicochemical variation, residue mobility, and thermodynamic stability) performed at Invitae indicates that this missense variant is not expected to disrupt HEXA protein function. In summary, the available evidence is currently insufficient to determine the role of this variant in disease. Therefore, it has been classified as a Variant of Uncertain Significance.

NM_000520.6(HEXA):c.148G>A (p.Val50Ile)

Gene: HEXA (hexosaminidase subunit alpha; minus strand). Cytogenetic location: 15q23.
Variant type: single nucleotide variant.
Coding change: c.148G>A on transcript NM_000520.6 (MANE Select); coding-DNA position 148, G replaced by A.
Protein change: p.Val50Ile; replaces valine 50 with isoleucine.
Molecular consequence: missense variant. On other transcripts: non-coding transcript variant (1).
Genome position (GRCh38, 1-based): chr15:72,375,825, C>T on the plus strand (G>A on the coding strand, the complement: HEXA is on the minus strand). VCF-style: chr15-72375825-C-T. GRCh37 (hg19) VCF-style: chr15-72668166-C-T.
Other names: c.148G>A, p.Val50Ile (NM_001318825.2); short protein forms V50I.
Identifiers: ClinVar variation 1903347 (VCV001903347.2), dbSNP rs757285705, ClinGen allele CA393070387.
Genomic context (GRCh38, chr15:72,375,825, plus strand): 5'-CACGATAGCGCTGGAAGGCCTCGTCGAGGACTGAGCAGCCGGGCTGCGCGGCCGAGCTGA[C>T]ATCGTACTGGAATTGAAAGTTGTTCGGGTAAAGGACGTAGCGCTGGTCGGAGGTTTGGAA-3'
Protein context (NP_000511.2, residues 40-60): YPNNFQFQYD[Val50Ile]SSAAQPGCSV